The following is an entry in ClinVar:

ClinVar aggregate classification (germline): Uncertain significance (1 of 4 stars; one submission).

Conditions:
Agammaglobulinemia 6, autosomal recessive (AGM6). Also called: AGAMMAGLOBULINEMIA 6; AGAMMAGLOBULINEMIA, AUTOSOMAL RECESSIVE, DUE TO CD79B DEFECT. Identifiers: MedGen C3150207, MONDO:0012987, OMIM 612692.

Submission:

Labcorp Genetics (formerly Invitae), Labcorp
Classification: Uncertain significance for Agammaglobulinemia 6, autosomal recessive. Last evaluated: 2022-02-10. Review status: criteria provided, single submitter. Criteria: Invitae Variant Classification Sherloc (09022015). Collection method: clinical testing. Allele origin: germline.
Comment: In summary, the available evidence is currently insufficient to determine the role of this variant in disease. Therefore, it has been classified as a Variant of Uncertain Significance. Variants that disrupt the consensus splice site are a relatively common cause of aberrant splicing (PMID: 17576681, 9536098). Algorithms developed to predict the effect of sequence changes on RNA splicing suggest that this variant is not likely to affect RNA splicing. This variant has not been reported in the literature in individuals affected with CD79B-related conditions. This variant is not present in population databases (gnomAD no frequency). This sequence change falls in intron 5 of the CD79B gene. It does not directly change the encoded amino acid sequence of the CD79B protein. It affects a nucleotide within the consensus splice site.

Literature cited by the submitters: PubMed 17576681; PubMed 9536098.

NM_000626.4(CD79B):c.591+4A>T

Genes: CD79B (CD79b molecule; minus strand), GH-LCR (growth hormone locus control region; plus strand). Cytogenetic location: 17q23.3.
Variant type: single nucleotide variant.
Coding change: c.591+4A>T on transcript NM_000626.4 (MANE Select); 4 bases into the intron after coding-DNA position 591, A replaced by T.
Molecular consequence: intron variant.
Genome position (GRCh38, 1-based): chr17:63,929,430, T>A on the plus strand (A>T on the coding strand, the complement: CD79B is on the minus strand). VCF-style: chr17-63929430-T-A. GRCh37 (hg19) VCF-style: chr17-62006790-T-A.
Other names: c.279+4A>T (NM_021602.4); c.282+4A>T (NM_001329050.2); c.594+4A>T (NM_001039933.3).
Identifiers: ClinVar variation 1437604 (VCV001437604.5), dbSNP rs2144755829, ClinGen allele CA2573154594.